The following is an entry in ClinVar:

NM_000183.3(HADHB):c.872A>G (p.Lys291Arg)

Gene: HADHB (hydroxyacyl-CoA dehydrogenase trifunctional multienzyme complex subunit beta; plus strand). Cytogenetic location: 2p23.3.
Variant type: single nucleotide variant.
Coding change: c.872A>G on transcript NM_000183.3 (MANE Select); coding-DNA position 872, A replaced by G.
Protein change: p.Lys291Arg; replaces lysine 291 with arginine.
Molecular consequence: missense variant.
Genome position (GRCh38, 1-based): chr2:26,280,054, A>G. VCF-style: chr2-26280054-A-G. GRCh37 (hg19) VCF-style: chr2-26502922-A-G.
Other names: c.827A>G, p.Lys276Arg (NM_001281512.2); c.806A>G, p.Lys269Arg (NM_001281513.2); short protein forms K269R, K291R, K276R.
Identifiers: ClinVar variation 1360084 (VCV001360084.6), dbSNP rs573709691, ClinGen allele CA1560362.

ClinVar aggregate classification (germline): Uncertain significance (1 of 4 stars; one submission).

Conditions:
Mitochondrial trifunctional protein deficiency. Identifiers: Orphanet 746, MedGen C1969443, MONDO:0012172.

Allele frequency attached by ClinVar (database versions not stated): gnomAD exomes below 0.00001 and 0.00001; TOPMed below 0.00001; ExAC 0.00001; gnomAD 0.00001.
gnomAD v4.1: 8 of 1,611,168 alleles (0.0005%); highest among the groups gnomAD compares: Admixed American, 0.0033%; no homozygotes.

Submission:

Labcorp Genetics (formerly Invitae), Labcorp
Classification: Uncertain significance for Mitochondrial trifunctional protein deficiency. Last evaluated: 2024-12-19. Review status: criteria provided, single submitter. Criteria: Invitae Variant Classification Sherloc (09022015). Collection method: clinical testing. Allele origin: germline.
Comment: This sequence change replaces lysine, which is basic and polar, with arginine, which is basic and polar, at codon 291 of the HADHB protein (p.Lys291Arg). This variant is present in population databases (rs573709691, gnomAD 0.006%). This variant has not been reported in the literature in individuals affected with HADHB-related conditions. ClinVar contains an entry for this variant (Variation ID: 1360084). Invitae Evidence Modeling of protein sequence and biophysical properties (such as structural, functional, and spatial information, amino acid conservation, physicochemical variation, residue mobility, and thermodynamic stability) indicates that this missense variant is not expected to disrupt HADHB protein function with a negative predictive value of 80%. In summary, the available evidence is currently insufficient to determine the role of this variant in disease. Therefore, it has been classified as a Variant of Uncertain Significance.